The following is an entry in ClinVar:

NM_001077365.2(POMT1):c.2003+13C>T

Gene: POMT1 (protein O-mannosyltransferase 1; plus strand). Cytogenetic location: 9q34.13.
Variant type: single nucleotide variant.
Coding change: c.2003+13C>T on transcript NM_001077365.2 (MANE Select); 13 bases into the intron after coding-DNA position 2003, C replaced by T.
Molecular consequence: intron variant.
Genome position (GRCh38, 1-based): chr9:131,522,237, C>T. VCF-style: chr9-131522237-C-T. GRCh37 (hg19) VCF-style: chr9-134397624-C-T.
Other names: p.?; c.1907+13C>T (NM_001353198.2, NM_001353197.2); c.2069+13C>T (NM_001353193.2, NM_007171.4); c.2003+13C>T (NM_001136113.2); c.1841+13C>T (NM_001353194.2, NM_001077366.2); c.1652+13C>T (NM_001374691.1, NM_001353195.2, NM_001374692.1 and 2 more transcripts); c.1784+13C>T (NM_001374690.1); c.1913+13C>T (NM_001353196.2); and 4 more.
Identifiers: ClinVar variation 95460 (VCV000095460.37), dbSNP rs4740165, ClinGen allele CA148552.

ClinVar aggregate classification (germline): Benign. Review status: criteria provided, multiple submitters, no conflicts (2 of 4 stars). 17 submissions from 15 submitters: Benign (13). 4 of the submissions do not count toward it. Last evaluated 2026-06-22.

Conditions:
Muscular dystrophy-dystroglycanopathy (congenital with brain and eye anomalies), type A1 (MDDGA1). Also called: COD-MD SYNDROME; WALKER-WARBURG SYNDROME OR MUSCLE-EYE-BRAIN DISEASE, POMT1-RELATED; Hydrocephalus, agyria and retinal dysplasia; Hard +/- E syndrome; Warburg syndrome; Chemke syndrome. Identifiers: Orphanet 588, Orphanet 899, MedGen C4284790, MONDO:0009364, OMIM 236670.
Walker-Warburg congenital muscular dystrophy. Also called: Muscular dystrophy-dystroglycanopathy, type A; Walker-Warburg syndrome. Identifiers: Orphanet 899, MedGen C0265221, MONDO:0000171.
Muscular dystrophy-dystroglycanopathy (congenital with impaired intellectual development), type B, 1. Also called: Muscular dystrophy-dystroglycanopathy (congenital with intellectual disability), type B1; MUSCULAR DYSTROPHY, CONGENITAL, POMT1-RELATED. Identifiers: MedGen C5436962, MONDO:0013159, OMIM 613155.
Autosomal recessive limb-girdle muscular dystrophy type 2K. Also called: MUSCULAR DYSTROPHY, LIMB-GIRDLE, TYPE 2K; MUSCULAR DYSTROPHY-DYSTROGLYCANOPATHY (LIMB-GIRDLE), TYPE C, 1. Identifiers: Orphanet 86812, MedGen C1836373, MONDO:0012248, OMIM 609308.

Allele frequency attached by ClinVar (database versions not stated): 1000 Genomes Project 30x 0.82527; TOPMed 0.82905; 1000 Genomes Project 0.83167; gnomAD 0.84044 and 0.84705; ESP Exome Variant Server 0.84169; ExAC 0.89961; gnomAD exomes 0.90155 and 0.93065.
gnomAD v4.1: 1,486,775 of 1,612,548 alleles (92%); highest among the groups gnomAD compares: South Asian, 96%; 689,255 homozygotes.

Submissions (17):

Women's Health and Genetics/Laboratory Corporation of America, LabCorp
Classification: Benign. Last evaluated: 2026-06-22. Review status: criteria provided, single submitter. Criteria: LabCorp Variant Classification Summary - May 2015. Collection method: clinical testing. Allele origin: germline.

Labcorp Genetics (formerly Invitae), Labcorp
Classification: Benign for Muscular dystrophy-dystroglycanopathy (congenital with impaired intellectual development), type B, 1; Walker-Warburg congenital muscular dystrophy; Autosomal recessive limb-girdle muscular dystrophy type 2K. Last evaluated: 2026-02-04. Review status: criteria provided, single submitter. Criteria: Invitae Variant Classification Sherloc (09022015). Collection method: clinical testing. Allele origin: germline.

Blueprint Genetics
Classification: Benign. Last evaluated: 2024-11-27. Review status: criteria provided, single submitter. Criteria: ACMG Guidelines, 2015. Collection method: clinical testing. Allele origin: germline.

Genome-Nilou Lab
Classification: Benign for Muscular dystrophy-dystroglycanopathy (congenital with brain and eye anomalies), type A1. Last evaluated: 2021-10-25. Review status: criteria provided, single submitter. Criteria: ACMG Guidelines, 2015. Collection method: clinical testing. Allele origin: germline. Affected: no.

Genome-Nilou Lab
Classification: Benign for Muscular dystrophy-dystroglycanopathy (congenital with impaired intellectual development), type B, 1. Last evaluated: 2021-10-25. Review status: criteria provided, single submitter. Criteria: ACMG Guidelines, 2015. Collection method: clinical testing. Allele origin: germline. Affected: no.

Genome-Nilou Lab
Classification: Benign for Autosomal recessive limb-girdle muscular dystrophy type 2K. Last evaluated: 2021-10-25. Review status: criteria provided, single submitter. Criteria: ACMG Guidelines, 2015. Collection method: clinical testing. Allele origin: germline. Affected: no.

Illumina Laboratory Services, Illumina
Classification: Benign for Autosomal recessive limb-girdle muscular dystrophy type 2K. Last evaluated: 2018-01-13. Review status: criteria provided, single submitter. Criteria: ICSL Variant Classification Criteria 13 December 2019. Collection method: clinical testing. Allele origin: germline.
Comment: This variant was observed in the ICSL laboratory as part of a predisposition screen in an ostensibly healthy population. It had not been previously curated by ICSL or reported in the Human Gene Mutation Database (HGMD: prior to June 1st, 2018), and was therefore a candidate for classification through an automated scoring system. Utilizing variant allele frequency, disease prevalence and penetrance estimates, and inheritance mode, an automated score was calculated to assess if this variant is too frequent to cause the disease. Based on the score and internal cut-off values, a variant classified as benign is not then subjected to further curation. The score for this variant resulted in a classification of benign for this disease.

Mayo Clinic Laboratories, Mayo Clinic
Classification: Benign. Last evaluated: 2017-12-14. Review status: criteria provided, single submitter. Criteria: ACMG Guidelines, 2015. Collection method: clinical testing. Allele origin: germline. Observed: 40 variant alleles.

GeneDx
Classification: Benign. Last evaluated: 2015-03-03. Review status: criteria provided, single submitter. Criteria: GeneDx Variant Classification Process June 2021. Collection method: clinical testing. Allele origin: germline. Affected: yes.

Laboratory for Molecular Medicine, Mass General Brigham Personalized Medicine
Classification: Benign. Last evaluated: 2015-01-13. Review status: criteria provided, single submitter. Criteria: LMM Criteria. Collection method: clinical testing. Allele origin: germline. Observed: 14 variant alleles.
Comment: c.2069+13C>T in intron 19 of POMT1: This variant is not expected to have clinica l significance because it is not located within the conserved splice consensus s equence. It has been identified in 35.2% (1549/4406) of African American chromos omes from a broad population by the NHLBI Exome Sequencing Project (s.; dbSNP rs4740165).

Eurofins Ntd Llc (ga)
Classification: Benign. Last evaluated: 2013-04-23. Review status: criteria provided, single submitter. Criteria: EGL Classification Definitions 2015. Collection method: clinical testing. Allele origin: germline. Observed: 79 variant alleles, 10 heterozygotes, 69 homozygotes.

Breakthrough Genomics
Classification: Benign. Review status: criteria provided, single submitter. Criteria: ACMG Guidelines, 2015. Collection method: not provided. Allele origin: germline. Inheritance: Autosomal recessive inheritance. Affected: yes.

PreventionGenetics, part of Exact Sciences
Classification: Benign. Review status: criteria provided, single submitter. Criteria: ACMG Guidelines, 2015. Collection method: clinical testing. Allele origin: germline.

Clinical Genetics DNA and cytogenetics Diagnostics Lab, Erasmus MC, Erasmus Medical Center
Classification: Benign. Review status: no assertion criteria provided. Collection method: clinical testing. Allele origin: germline. Affected: yes. Study: VKGL Data-share Consensus. Not counted in ClinVar's aggregate classification.

Clinical Genetics, Academic Medical Center
Classification: Benign. Review status: no assertion criteria provided. Collection method: clinical testing. Allele origin: germline. Affected: yes. Study: VKGL Data-share Consensus. Not counted in ClinVar's aggregate classification.

Diagnostic Laboratory, Department of Genetics, University Medical Center Groningen
Classification: Benign. Review status: no assertion criteria provided. Collection method: clinical testing. Allele origin: germline. Affected: yes. Study: VKGL Data-share Consensus. Not counted in ClinVar's aggregate classification.

Joint Genome Diagnostic Labs from Nijmegen and Maastricht, Radboudumc and MUMC+
Classification: Benign. Review status: no assertion criteria provided. Collection method: clinical testing. Allele origin: germline. Affected: yes. Study: VKGL Data-share Consensus. Not counted in ClinVar's aggregate classification.